The following is an entry in ClinVar:

ClinVar aggregate classification (germline): Uncertain significance (1 of 4 stars; one submission).

Submission:

Women's Health and Genetics/Laboratory Corporation of America, LabCorp
Classification: Uncertain significance. Last evaluated: 2019-09-06. Review status: criteria provided, single submitter. Criteria: LabCorp Variant Classification Summary - May 2015. Collection method: clinical testing. Allele origin: germline.
Comment: Variant summary: RAD50 c.2693T>G (p.Val898Gly) results in a non-conservative amino acid change in the encoded protein sequence. Three of five in-silico tools predict a benign effect of the variant on protein function. The variant was absent in 251184 control chromosomes (gnomAD). The available data on variant occurrences in the general population are insufficient to allow any conclusion about variant significance. To our knowledge, no occurrence of c.2693T>G in individuals affected with Hereditary Breast and Ovarian Cancer and no experimental evidence demonstrating an impact on protein function have been reported. No clinical diagnostic laboratories have submitted clinical-significance assessments for this variant to ClinVar after 2014. Based on the evidence outlined above, the variant was classified as uncertain significance.

NM_005732.4(RAD50):c.2693T>G (p.Val898Gly)

Gene: RAD50 (RAD50 double strand break repair protein; plus strand). Cytogenetic location: 5q31.1.
Variant type: single nucleotide variant.
Coding change: c.2693T>G on transcript NM_005732.4 (MANE Select); coding-DNA position 2693, T replaced by G.
Protein change: p.Val898Gly; replaces valine 898 with glycine.
Molecular consequence: missense variant.
Genome position (GRCh38, 1-based): chr5:132,604,974, T>G. VCF-style: chr5-132604974-T-G. GRCh37 (hg19) VCF-style: chr5-131940666-T-G.
Other names: short protein forms V898G.
Identifiers: ClinVar variation 929139 (VCV000929139.1), dbSNP rs1750958706, ClinGen allele CA360956920.